The following is an entry in ClinVar:

ClinVar aggregate classification (germline): Pathogenic (1 of 4 stars; one submission).

Submission:

Labcorp Genetics (formerly Invitae), Labcorp
Classification: Pathogenic. Last evaluated: 2021-04-21. Review status: criteria provided, single submitter. Criteria: Invitae Variant Classification Sherloc (09022015). Collection method: clinical testing. Allele origin: germline.
Comment: For these reasons, this variant has been classified as Pathogenic. This variant has not been reported in the literature in individuals with GATA3-related conditions. This variant is not present in population databases (ExAC no frequency). This sequence change creates a premature translational stop signal (p.Gly279Alafs*16) in the GATA3 gene. It is expected to result in an absent or disrupted protein product. Loss-of-function variants in GATA3 are known to be pathogenic (PMID: 14985365, 21242646).

Literature cited by the submitters: PubMed 14985365; PubMed 21242646.

NM_001002295.2(GATA3):c.836del (p.Gly279fs)

Gene: GATA3 (GATA binding protein 3; plus strand). Cytogenetic location: 10p14.
Variant type: Deletion.
Coding change: c.836del on transcript NM_001002295.2 (MANE Select); coding-DNA position 836, one base deleted (G; older notation c.836delG).
Protein change: p.Gly279fs; shifts the reading frame from glycine 279.
Molecular consequence: frameshift variant.
Genome position (GRCh38, 1-based): chr10:8,064,050, G deleted; the last of 2 consecutive G bases (chr10:8,064,049-8,064,050); deleting either gives the same sequence. VCF-style (leftmost placement, unchanged base first): chr10-8064048-TG-T. GRCh37 (hg19) VCF-style: chr10-8106011-TG-T.
Other names: c.833del, p.Gly278fs (NM_002051.3); short protein forms G278fs, G279fs.
Identifiers: ClinVar variation 1366705 (VCV001366705.6), dbSNP rs2131500629, ClinGen allele CA2573145638.